The following is an entry in ClinVar:

NM_007126.5(VCP):c.1528C>T (p.Pro510Ser)

Gene: VCP (valosin containing protein; minus strand). Cytogenetic location: 9p13.3.
Variant type: single nucleotide variant.
Coding change: c.1528C>T on transcript NM_007126.5 (MANE Select); coding-DNA position 1528, C replaced by T.
Protein change: p.Pro510Ser; replaces proline 510 with serine.
Molecular consequence: missense variant.
Genome position (GRCh38, 1-based): chr9:35,060,480, G>A on the plus strand (C>T on the coding strand, the complement: VCP is on the minus strand). VCF-style: chr9-35060480-G-A. GRCh37 (hg19) VCF-style: chr9-35060477-G-A.
Other names: c.1393C>T, p.Pro465Ser (NM_001354927.2, NM_001354928.2); short protein forms P465S, P510S.
Identifiers: ClinVar variation 2933056 (VCV002933056.3), dbSNP rs2490351658, ClinGen allele CA373279894.

ClinVar aggregate classification (germline): Uncertain significance (1 of 4 stars; one submission).

Conditions:
Inclusion body myopathy with Paget disease of bone and frontotemporal dementia. Also called: Inclusion body myopathy with early-onset Paget disease and frontotemporal dementia. Identifiers: Orphanet 52430, MedGen C1833662, MONDO:0000507.
Frontotemporal dementia and/or amyotrophic lateral sclerosis 6 (FTDALS6). Also called: VCP-Related Amyotrophic Lateral Sclerosis; VCP-Related Amyotrophic Lateral Sclerosis/Frontotemporal Dementia. Identifiers: Orphanet 275872, Orphanet 803, MedGen C5436279, MONDO:0013501, OMIM 613954.

Allele frequency attached by ClinVar (database versions not stated): gnomAD exomes below 0.00001.
gnomAD v4.1: 2 of 1,614,218 alleles (0.00012%); highest among the groups gnomAD compares: Non-Finnish European, 0.00017%; no homozygotes.

Submission:

Labcorp Genetics (formerly Invitae), Labcorp
Classification: Uncertain significance for Inclusion body myopathy with Paget disease of bone and frontotemporal dementia; Frontotemporal dementia and/or amyotrophic lateral sclerosis 6. Last evaluated: 2023-06-29. Review status: criteria provided, single submitter. Criteria: Invitae Variant Classification Sherloc (09022015). Collection method: clinical testing. Allele origin: germline.
Comment: This sequence change replaces proline, which is neutral and non-polar, with serine, which is neutral and polar, at codon 510 of the VCP protein (p.Pro510Ser). This variant is not present in population databases (gnomAD no frequency). This variant has not been reported in the literature in individuals affected with VCP-related conditions. Advanced modeling of protein sequence and biophysical properties (such as structural, functional, and spatial information, amino acid conservation, physicochemical variation, residue mobility, and thermodynamic stability) performed at Invitae indicates that this missense variant is not expected to disrupt VCP protein function. In summary, the available evidence is currently insufficient to determine the role of this variant in disease. Therefore, it has been classified as a Variant of Uncertain Significance.